The following is an entry in ClinVar:

NM_000179.3(MSH6):c.3171G>C (p.Leu1057Phe)

Gene: MSH6 (mutS homolog 6; plus strand). Cytogenetic location: 2p16.3.
Variant type: single nucleotide variant.
Coding change: c.3171G>C on transcript NM_000179.3 (MANE Select); coding-DNA position 3171, G replaced by C.
Protein change: p.Leu1057Phe; replaces leucine 1057 with phenylalanine.
Molecular consequence: missense variant. On other transcripts: non-coding transcript variant (5), intron variant (2).
Genome position (GRCh38, 1-based): chr2:47,801,154, G>C. VCF-style: chr2-47801154-G-C. GRCh37 (hg19) VCF-style: chr2-48028293-G-C.
Other names: c.2781G>C, p.Leu927Phe (NM_001281492.2); c.2265G>C, p.Leu755Phe (NM_001281493.2, NM_001281494.2, NM_001406811.1 and 6 more transcripts); c.3267G>C, p.Leu1089Phe (NM_001406795.1, NM_001406802.1); c.3171G>C, p.Leu1057Phe (NM_001406796.1, NM_001406798.1, NM_001406800.1 and 2 more transcripts); c.2874G>C, p.Leu958Phe (NM_001406797.1, NM_001406801.1, NM_001406805.1 and 10 more transcripts); c.2646G>C, p.Leu882Phe (NM_001406799.1, NM_001406806.1, NM_001406807.1); c.3093G>C, p.Leu1031Phe (NM_001406804.1); c.3177G>C, p.Leu1059Phe (NM_001406813.1); and 4 more; short protein forms L1001F, L1031F, L1057F, L1059F, L1089F, L372F, L755F, L882F.
Identifiers: ClinVar variation 4860371 (VCV004860371.1).

ClinVar aggregate classification (germline): Uncertain significance (1 of 4 stars; one submission).

Conditions:
Hereditary cancer-predisposing syndrome. Also called: Neoplastic Syndromes, Hereditary; Tumor predisposition; Hereditary Cancer Syndrome; Hereditary neoplastic syndrome. Identifiers: Orphanet 140162, MedGen C0027672, MeSH D009386, MONDO:0015356.

gnomAD v4.1: 1 of 1,609,210 alleles (0.000062%); highest among the groups gnomAD compares: Non-Finnish European, 0.000085%; no homozygotes.

Submission:

Ambry Genetics
Classification: Uncertain significance for Hereditary cancer-predisposing syndrome. Last evaluated: 2026-03-18. Review status: criteria provided, single submitter. Criteria: Ambry Variant Classification Scheme 2023. Collection method: clinical testing. Allele origin: germline.
Comment: The p.L1057F variant (also known as c.3171G>C), located in coding exon 4 of the MSH6 gene, results from a G to C substitution at nucleotide position 3171. The leucine at codon 1057 is replaced by phenylalanine, an amino acid with highly similar properties. This amino acid position is well conserved in available vertebrate species. In addition, the in silico prediction for this alteration is inconclusive. Based on the available evidence, the clinical significance of this variant remains unclear.